The following is an entry in ClinVar:

NM_007294.4(BRCA1):c.5153-28T>C

Gene: BRCA1 (BRCA1 DNA repair associated; minus strand). Cytogenetic location: 17q21.31.
Variant type: single nucleotide variant.
Coding change: c.5153-28T>C on transcript NM_007294.4 (MANE Select); 28 bases into the intron before coding-DNA position 5153, T replaced by C.
Molecular consequence: intron variant.
Genome position (GRCh38, 1-based): chr17:43,063,401, A>G on the plus strand (T>C on the coding strand, the complement: BRCA1 is on the minus strand). VCF-style: chr17-43063401-A-G. GRCh37 (hg19) VCF-style: chr17-41215418-A-G.
Other names: c.1700-28T>C (NM_001408458.1, NM_001408461.1, NM_001408464.1 and 7 more transcripts); c.4262-28T>C (NM_001407967.1); c.4772-28T>C (NM_001407959.1); c.4886-28T>C (NM_001407931.1, NM_001407932.1, NM_001407928.1 and 4 more transcripts); c.5009-28T>C (NM_001407747.1, NM_001407745.1, NM_001407737.1 and 21 more transcripts); c.4769-28T>C (NM_001407962.1, NM_001407960.1); c.1340-28T>C (NM_001408512.1); c.1463-28T>C (NM_001408510.1); and 72 more.
Identifiers: ClinVar variation 867410 (VCV000867410.3), dbSNP rs2051878945, ClinGen allele CA916080107.

Conditions:
Breast-ovarian cancer, familial, susceptibility to, 1 (BROVCA1). Also called: BRCA1 Hereditary Breast and Ovarian Cancer; OVARIAN CANCER, SUSCEPTIBILITY TO. Identifiers: Orphanet 145, MedGen C2676676, MONDO:0011450, OMIM 604370. Disease mechanism: loss of function.

Submission:

Brotman Baty Institute, University of Washington
No classification provided (evidence only). Condition: Breast-ovarian cancer, familial 1. Review status: no classification provided. Collection method: in vitro. Allele origin: not applicable. Functional consequence: functionally_normal.
ClinVar note: "not provided" was previously submitted as the classification for the variant. However, the classification appeared to be based only on an observation of functional data so it was converted to no classification on 2025-07-30.